The following is an entry in ClinVar:

NM_007289.4(MME):c.1807C>A (p.Leu603Ile)

Gene: MME (membrane metalloendopeptidase; plus strand). Cytogenetic location: 3q25.2.
Variant type: single nucleotide variant.
Coding change: c.1807C>A on transcript NM_007289.4 (MANE Select); coding-DNA position 1807, C replaced by A.
Protein change: p.Leu603Ile; replaces leucine 603 with isoleucine.
Molecular consequence: missense variant.
Genome position (GRCh38, 1-based): chr3:155,168,518, C>A. VCF-style: chr3-155168518-C-A. GRCh37 (hg19) VCF-style: chr3-154886307-C-A.
Other names: c.1807C>A, p.Leu603Ile (NM_000902.5, NM_001354642.2, NM_001354643.1 and 2 more transcripts); short protein forms L603I.
Identifiers: ClinVar variation 3612998 (VCV003612998.1).
Genomic context (GRCh38, chr3:155,168,518, plus strand): 5'-GAGTTCCCATTTTACTTAAATAAATATATTATAGGCAGAAACTTTAACAAAGATGGAGAC[C>A]TCGTTGACTGGTGGACTCAACAGTCTGCAAGTAACTTTAAGGAGCAATCCCAGTGCATGG-3'
Protein context (NP_009220.2, residues 593-613): NGRNFNKDGD[Leu603Ile]VDWWTQQSAS

ClinVar aggregate classification (germline): Uncertain significance (1 of 4 stars; one submission).

gnomAD v4.1: 12 of 1,612,988 alleles (0.00074%); highest among the groups gnomAD compares: Non-Finnish European, 0.001%; no homozygotes.

Submission:

Labcorp Genetics (formerly Invitae), Labcorp
Classification: Uncertain significance. Last evaluated: 2024-11-26. Review status: criteria provided, single submitter. Criteria: Invitae Variant Classification Sherloc (09022015). Collection method: clinical testing. Allele origin: germline.
Comment: This sequence change replaces leucine, which is neutral and non-polar, with isoleucine, which is neutral and non-polar, at codon 603 of the MME protein (p.Leu603Ile). This variant is present in population databases (no rsID available, gnomAD 0.0009%). This variant has not been reported in the literature in individuals affected with MME-related conditions. Invitae Evidence Modeling of protein sequence and biophysical properties (such as structural, functional, and spatial information, amino acid conservation, physicochemical variation, residue mobility, and thermodynamic stability) indicates that this missense variant is not expected to disrupt MME protein function with a negative predictive value of 80%. In summary, the available evidence is currently insufficient to determine the role of this variant in disease. Therefore, it has been classified as a Variant of Uncertain Significance.